The following is an entry in ClinVar:

ClinVar aggregate classification (germline): Uncertain significance. Review status: criteria provided, multiple submitters, no conflicts (2 of 4 stars). 2 submissions from 2 submitters: Uncertain significance (2). Last evaluated 2026-01-28.

Conditions:
Primary familial hypertrophic cardiomyopathy (HCM). Identifiers: Orphanet 99739, MedGen C0949658, MeSH D024741, MONDO:0024573. Inheritance: Various modes of inheritance.

Allele frequency attached by ClinVar (database versions not stated): ExAC 0.00002; gnomAD 0.00003; TOPMed 0.00003.
gnomAD v4.1: 31 of 1,614,020 alleles (0.0019%); highest among the groups gnomAD compares: South Asian, 0.0055%; no homozygotes.

Submissions (2):

Labcorp Genetics (formerly Invitae), Labcorp
Classification: Uncertain significance for Primary familial hypertrophic cardiomyopathy. Last evaluated: 2026-01-28. Review status: criteria provided, single submitter. Criteria: Invitae Variant Classification Sherloc (09022015). Collection method: clinical testing. Allele origin: germline.
Comment: This sequence change replaces valine, which is neutral and non-polar, with methionine, which is neutral and non-polar, at codon 219 of the ILK protein (p.Val219Met). This variant is present in population databases (rs545926425, gnomAD 0.009%). This variant has not been reported in the literature in individuals affected with ILK-related conditions. ClinVar contains an entry for this variant (Variation ID: 1754192). An algorithm developed to predict the effect of missense changes on protein structure and function outputs the following: PolyPhen-2: "Benign". The methionine amino acid residue is found in multiple mammalian species, which suggests that this missense change does not adversely affect protein function. In summary, the available evidence is currently insufficient to determine the role of this variant in disease. Therefore, it has been classified as a Variant of Uncertain Significance.

Ambry Genetics
Classification: Uncertain significance. Last evaluated: 2024-03-13. Review status: criteria provided, single submitter. Criteria: Ambry Variant Classification Scheme 2023. Collection method: clinical testing. Allele origin: germline.
Comment: The p.V219M variant (also known as c.655G>A), located in coding exon 7 of the ILK gene, results from a G to A substitution at nucleotide position 655. The valine at codon 219 is replaced by methionine, an amino acid with highly similar properties. This amino acid position is conserved. In addition, the in silico prediction for this alteration is inconclusive. Since supporting evidence is limited at this time, the clinical significance of this alteration remains unclear.

NM_004517.4(ILK):c.655G>A (p.Val219Met)

Genes: TAF10 (TATA-box binding protein associated factor 10; minus strand), ILK (integrin linked kinase; plus strand). Cytogenetic location: 11p15.4.
Variant type: single nucleotide variant.
Coding change: c.655G>A on transcript NM_004517.4 (MANE Select); coding-DNA position 655, G replaced by A.
Protein change: p.Val219Met; replaces valine 219 with methionine.
Molecular consequence: missense variant. On other transcripts: 3 prime UTR variant (1).
Genome position (GRCh38, 1-based): chr11:6,609,335, G>A. VCF-style: chr11-6609335-G-A. GRCh37 (hg19) VCF-style: chr11-6630566-G-A.
Other names: c.655G>A, p.Val219Met (NM_001014794.3, NM_001014795.3); c.472G>A, p.Val158Met (NM_001278441.2); c.253G>A, p.Val85Met (NM_001278442.2); c.*1587C>T (NM_006284.4); short protein forms V158M, V85M, V219M.
Identifiers: ClinVar variation 1754192 (VCV001754192.7), dbSNP rs545926425, ClinGen allele CA5858144.